The following is an entry in ClinVar:

NM_004208.4(AIFM1):c.1661C>T (p.Pro554Leu)

Genes: AIFM1 (apoptosis inducing factor mitochondria associated 1; minus strand), RAB33A (RAB33A, member RAS oncogene family; plus strand). Cytogenetic location: Xq26.1.
Variant type: single nucleotide variant.
Coding change: c.1661C>T on transcript NM_004208.4 (MANE Select); coding-DNA position 1661, C replaced by T.
Protein change: p.Pro554Leu; replaces proline 554 with leucine.
Molecular consequence: missense variant. On other transcripts: 3 prime UTR variant (1), non-coding transcript variant (1).
Genome position (GRCh38, 1-based): chrX:130,130,079, G>A on the plus strand (C>T on the coding strand, the complement: AIFM1 is on the minus strand). VCF-style: chrX-130130079-G-A. GRCh37 (hg19) VCF-style: chrX-129264054-G-A.
Other names: c.644C>T, p.Pro215Leu (NM_001130846.4); c.*889C>T (NM_001130847.4); c.1649C>T, p.Pro550Leu (NM_145812.3); short protein forms P554L, P215L, P550L.
Identifiers: ClinVar variation 5002939 (VCV005002939.1).
Genomic context (GRCh38, chrX:130,130,079, plus strand): 5'-ACGACCACTTTGTCCCTGAGGTAGAAGATGACACCTTTGCCGTAGTCCTCCCCCTGGACG[G>A]GAGCCTGTGGAACTGCCGGGGTGCTGGGAGGAATAGTAATTTCTGAGGCCTCGGACTCTG-3'
Protein context (NP_004199.1, residues 544-564): PPSTPAVPQA[Pro554Leu]VQGEDYGKGV

ClinVar aggregate classification (germline): Uncertain significance (1 of 4 stars; one submission).

Conditions:
Spondyloepimetaphyseal dysplasia, Bieganski type. Also called: Leukoencephalopathy with metaphyseal chondrodysplasia; Spondyloepimetaphyseal dysplasia, X-linked, with hypomyelinating leukodystrophy; SEMD X-linked with mental deterioration. Identifiers: Orphanet 168448, Orphanet 83629, MedGen C1846148, MONDO:0010275, OMIM 300232.

gnomAD v4.1: 1 of 1,211,873 alleles (0.000083%); highest among the groups gnomAD compares: Non-Finnish European, 0.00011%; no homozygotes.

Submission:

OLLIN Analises Genomicas, OLLIN
Classification: Uncertain significance for Spondyloepimetaphyseal dysplasia, Bieganski type. Last evaluated: 2026-08-06. Review status: criteria provided, single submitter. Criteria: ACMG Guidelines 2015 PMID 25741868. Collection method: clinical testing. Allele origin: germline.
Comment: This missense variant, located in exon 15 (of 16), has been observed in gnomAD with an allele frequency of 0.000062%, but has not been reported in ClinVar or identified in the literature. In silico analysis predicts that this variant has a tolerated effect. According to the currently available evidence, this variant has been classified as uncertain significance (PM2_P, BP4).